The following is an entry in ClinVar:

NM_001371928.1(AHDC1):c.4178G>A (p.Gly1393Asp)

Gene: AHDC1 (AT-hook DNA binding motif containing 1; minus strand). Cytogenetic location: 1p36.11.
Variant type: single nucleotide variant.
Coding change: c.4178G>A on transcript NM_001371928.1 (MANE Select); coding-DNA position 4178, G replaced by A.
Protein change: p.Gly1393Asp; replaces glycine 1393 with aspartic acid.
Molecular consequence: missense variant.
Genome position (GRCh38, 1-based): chr1:27,547,938, C>T on the plus strand (G>A on the coding strand, the complement: AHDC1 is on the minus strand). VCF-style: chr1-27547938-C-T. GRCh37 (hg19) VCF-style: chr1-27874449-C-T.
Other names: c.4178G>A, p.Gly1393Asp (NM_001029882.3); c.4178G>A (NM_001029882.2); short protein forms G1393D.
Identifiers: ClinVar variation 777902 (VCV000777902.33), dbSNP rs148277570, ClinGen allele CA715416.

ClinVar aggregate classification (germline): Benign/Likely benign. Review status: criteria provided, multiple submitters, no conflicts (2 of 4 stars). 6 submissions from 6 submitters: Benign (3); Likely benign (2). 1 of the submissions does not count toward it. Last evaluated 2025-12-14.

Conditions:
AHDC1-related disorder. Also called: AHDC1-related condition.
AHDC1-related intellectual disability - obstructive sleep apnea - mild dysmorphism syndrome. Also called: Xia-Gibbs syndrome. Identifiers: Orphanet 412069, MedGen C4014419, MONDO:0014358, OMIM 615829.

Allele frequency attached by ClinVar (database versions not stated): gnomAD 0.00007 and 0.00017; ESP Exome Variant Server 0.00008; TOPMed 0.00008; 1000 Genomes Project 30x 0.00031; 1000 Genomes Project 0.00040; gnomAD exomes 0.00054; ExAC 0.00063.

Submissions (6):

Labcorp Genetics (formerly Invitae), Labcorp
Classification: Benign. Last evaluated: 2025-12-14. Review status: criteria provided, single submitter. Criteria: Invitae Variant Classification Sherloc (09022015). Collection method: clinical testing. Allele origin: germline.

CeGaT Center for Human Genetics Tuebingen
Classification: Likely benign. Last evaluated: 2024-12-01. Review status: criteria provided, single submitter. Criteria: CeGaT Center For Human Genetics Tuebingen Variant Classification Criteria Version 2. Collection method: clinical testing. Allele origin: germline. Affected: yes. Observed: 2 variant alleles.
Comment: AHDC1: BS1

Blueprint Genetics
Classification: Likely benign. Last evaluated: 2024-08-29. Review status: criteria provided, single submitter. Criteria: ACMG Guidelines, 2015. Collection method: clinical testing. Allele origin: germline.

Genome-Nilou Lab
Classification: Benign for AHDC1-related intellectual disability - obstructive sleep apnea - mild dysmorphism syndrome. Last evaluated: 2021-12-05. Review status: criteria provided, single submitter. Criteria: ACMG Guidelines, 2015. Collection method: clinical testing. Allele origin: germline. Affected: no.

GeneDx
Classification: Benign. Last evaluated: 2021-10-14. Review status: criteria provided, single submitter. Criteria: GeneDx Variant Classification Process June 2021. Collection method: clinical testing. Allele origin: germline. Affected: yes.

PreventionGenetics, part of Exact Sciences
Classification: Likely benign for AHDC1-related condition. Last evaluated: 2020-12-03. Review status: no assertion criteria provided. Collection method: clinical testing. Allele origin: germline. Not counted in ClinVar's aggregate classification.
Comment: This variant is classified as likely benign based on ACMG/AMP sequence variant interpretation guidelines (Richards et al. 2015 PMID: 25741868, with internal and published modifications).